The following is an entry in ClinVar:

NM_018076.5(ODAD2):c.2630G>A (p.Arg877His)

Gene: ODAD2 (outer dynein arm docking complex subunit 2; minus strand). Cytogenetic location: 10p12.1.
Variant type: single nucleotide variant.
Coding change: c.2630G>A on transcript NM_018076.5 (MANE Select); coding-DNA position 2630, G replaced by A.
Protein change: p.Arg877His; replaces arginine 877 with histidine.
Molecular consequence: missense variant.
Genome position (GRCh38, 1-based): chr10:27,862,603, C>T on the plus strand (G>A on the coding strand, the complement: ODAD2 is on the minus strand). VCF-style: chr10-27862603-C-T. GRCh37 (hg19) VCF-style: chr10-28151532-C-T.
Other names: c.2630G>A, p.Arg877His (NM_001290020.2); c.1205G>A, p.Arg402His (NM_001290021.2); c.1706G>A, p.Arg569His (NM_001312689.2); short protein forms R402H, R569H, R877H.
Identifiers: ClinVar variation 1681346 (VCV001681346.15), dbSNP rs376143899, ClinGen allele CA5453136.

ClinVar aggregate classification (germline): Uncertain significance. Review status: criteria provided, multiple submitters, no conflicts (2 of 4 stars). 2 submissions from 2 submitters: Uncertain significance (2). Last evaluated 2023-11-17.

Conditions:
Primary ciliary dyskinesia. Also called: Ciliary dyskinesia. Identifiers: Orphanet 244, MedGen C0008780, MONDO:0016575, HP:0012265.
Primary ciliary dyskinesia 23 (CILD23). Also called: CILIARY DYSKINESIA, PRIMARY, 23, WITH OR WITHOUT SITUS INVERSUS. Identifiers: Orphanet 244, MedGen C3809548, MONDO:0014193, OMIM 615451.

Allele frequency attached by ClinVar (database versions not stated): ESP Exome Variant Server 0.00008; ExAC 0.00009; gnomAD exomes 0.00010 and 0.00011; TOPMed 0.00011; gnomAD 0.00012 and 0.00013.
gnomAD v4.1: 185 of 1,605,078 alleles (0.012%); highest among the groups gnomAD compares: Middle Eastern, 0.033%; no homozygotes.

Submissions (2):

Labcorp Genetics (formerly Invitae), Labcorp
Classification: Uncertain significance for Primary ciliary dyskinesia 23. Last evaluated: 2023-11-17. Review status: criteria provided, single submitter. Criteria: Invitae Variant Classification Sherloc (09022015). Collection method: clinical testing. Allele origin: germline.
Comment: This sequence change replaces arginine, which is basic and polar, with histidine, which is basic and polar, at codon 877 of the ARMC4 protein (p.Arg877His). This variant is present in population databases (rs376143899, gnomAD 0.04%). This variant has not been reported in the literature in individuals affected with ARMC4-related conditions. ClinVar contains an entry for this variant (Variation ID: 1681346). An algorithm developed to predict the effect of missense changes on protein structure and function (PolyPhen-2) suggests that this variant is likely to be disruptive. In summary, the available evidence is currently insufficient to determine the role of this variant in disease. Therefore, it has been classified as a Variant of Uncertain Significance.

Ambry Genetics
Classification: Uncertain significance for Primary ciliary dyskinesia. Last evaluated: 2023-03-28. Review status: criteria provided, single submitter. Criteria: Ambry Variant Classification Scheme 2023. Collection method: clinical testing. Allele origin: germline.